The following is an entry in ClinVar:

ClinVar aggregate classification (germline): Likely benign. Review status: criteria provided, multiple submitters, no conflicts (2 of 4 stars). 3 submissions from 3 submitters: Likely benign (3). Last evaluated 2026-01-20.

Conditions:
Ehlers-Danlos syndrome, classic type, 1 (EDSCL1). Also called: EDS I; EHLERS-DANLOS SYNDROME, GRAVIS TYPE; EHLERS-DANLOS SYNDROME, SEVERE CLASSIC TYPE; Ehlers-Danlos Syndrome, Classic Type, COL5A1-Related; Ehlers-Danlos syndrome, type 1. Identifiers: MedGen C0268335, MONDO:0019567, OMIM 130000.
Familial thoracic aortic aneurysm and aortic dissection (TAAD). Also called: Thoracic aortic aneurysms and dissections. Identifiers: Orphanet 91387, MedGen C4707243, MONDO:0019625.

Allele frequency attached by ClinVar (database versions not stated): gnomAD exomes 0.00001 and 0.00003; 1000 Genomes Project 30x 0.00016; 1000 Genomes Project 0.00020; gnomAD 0.00009; TOPMed 0.00010.
gnomAD v4.1: 26 of 1,551,032 alleles (0.0017%); highest among the groups gnomAD compares: African/African-American, 0.03%; no homozygotes.

Submissions (3):

Labcorp Genetics (formerly Invitae), Labcorp
Classification: Likely benign for Ehlers-Danlos syndrome, classic type, 1. Last evaluated: 2026-01-20. Review status: criteria provided, single submitter. Criteria: Invitae Variant Classification Sherloc (09022015). Collection method: clinical testing. Allele origin: germline.

Ambry Genetics
Classification: Likely benign for Familial thoracic aortic aneurysm and aortic dissection. Last evaluated: 2020-12-17. Review status: criteria provided, single submitter. Criteria: Ambry Variant Classification Scheme 2023. Collection method: clinical testing. Allele origin: germline.

GeneDx
Classification: Likely benign. Last evaluated: 2018-04-06. Review status: criteria provided, single submitter. Criteria: GeneDx Variant Classification (06012015). Collection method: clinical testing. Allele origin: germline. Affected: yes.
Comment: This variant is considered likely benign or benign based on one or more of the following criteria: it is a conservative change, it occurs at a poorly conserved position in the protein, it is predicted to be benign by multiple in silico algorithms, and/or has population frequency not consistent with disease.

NM_000093.5(COL5A1):c.3870A>G (p.Ala1290=)

Gene: COL5A1 (collagen type V alpha 1 chain; plus strand). Cytogenetic location: 9q34.3.
Variant type: single nucleotide variant.
Coding change: c.3870A>G on transcript NM_000093.5 (MANE Select); coding-DNA position 3870, A replaced by G.
Protein change: p.Ala1290=; no amino-acid change (alanine 1290 retained).
Molecular consequence: synonymous variant.
Genome position (GRCh38, 1-based): chr9:134,814,000, A>G. VCF-style: chr9-134814000-A-G. GRCh37 (hg19) VCF-style: chr9-137705846-A-G.
Other names: c.3870A>G, p.Ala1290= (NM_001278074.1).
Identifiers: ClinVar variation 681609 (VCV000681609.9), dbSNP rs541963919, ClinGen allele CA201090500.